The following is an entry in ClinVar:

NM_015274.3(MAN2B2):c.2732G>A (p.Arg911His)

Genes: MAN2B2 (mannosidase alpha class 2B member 2; plus strand), MRFAP1-AS1 (MRFAP1 antisense RNA 1; minus strand). Cytogenetic location: 4p16.1.
Variant type: single nucleotide variant.
Coding change: c.2732G>A on transcript NM_015274.3 (MANE Select); coding-DNA position 2732, G replaced by A.
Protein change: p.Arg911His; replaces arginine 911 with histidine.
Molecular consequence: missense variant.
Genome position (GRCh38, 1-based): chr4:6,617,410, G>A. VCF-style: chr4-6617410-G-A. GRCh37 (hg19) VCF-style: chr4-6619137-G-A.
Other names: c.2579G>A, p.Arg860His (NM_001292038.2); short protein forms R860H, R911H.
Identifiers: ClinVar variation 4537146 (VCV004537146.1).

ClinVar aggregate classification (germline): Uncertain significance (1 of 4 stars; one submission).

gnomAD v4.1: 80 of 1,614,122 alleles (0.005%); highest among the groups gnomAD compares: Admixed American, 0.028%; no homozygotes.

Submission:

Women's Health and Genetics/Laboratory Corporation of America, LabCorp
Classification: Uncertain significance. Last evaluated: 2025-11-03. Review status: criteria provided, single submitter. Criteria: LabCorp Variant Classification Summary - May 2015. Collection method: clinical testing. Allele origin: germline.
Comment: Variant summary: MAN2B2 c.2732G>A (p.Arg911His) results in a non-conservative amino acid change in the encoded protein sequence. Algorithms developed to predict the effect of missense changes on protein structure and function are either unavailable or do not agree on the potential impact of this missense change. The variant allele was found at a frequency of 7.6e-05 in 251406 control chromosomes. This frequency is not significantly higher than estimated for disease-causing variants in MAN2B2, allowing no conclusion about variant significance. To our knowledge, no occurrence of c.2732G>A in individuals affected with MAN2B2-related conditions and no experimental evidence demonstrating its impact on protein function have been reported. No submitters have cited clinical-significance assessments for this variant to ClinVar. Based on the evidence outlined above, the variant was classified as uncertain significance.